The following is an entry in ClinVar:

ClinVar aggregate classification (germline): Likely benign. Review status: criteria provided, multiple submitters, no conflicts (2 of 4 stars). 2 submissions from 2 submitters: Likely benign (2). Last evaluated 2026-03-01.

Allele frequency attached by ClinVar (database versions not stated): gnomAD 0.00002; gnomAD exomes 0.00002; TOPMed 0.00003; ESP Exome Variant Server 0.00008.
gnomAD v4.1: 26 of 1,575,562 alleles (0.0017%); highest among the groups gnomAD compares: South Asian, 0.0093%; no homozygotes.

Submissions (2):

CeGaT Center for Human Genetics Tuebingen
Classification: Likely benign. Last evaluated: 2026-03-01. Review status: criteria provided, single submitter. Criteria: CeGaT Center For Human Genetics Tuebingen Variant Classification Criteria Version 2. Collection method: clinical testing. Allele origin: germline. Affected: yes. Observed: 1 variant allele.
Comment: HSPG2: BP4, BP7

Labcorp Genetics (formerly Invitae), Labcorp
Classification: Likely benign. Last evaluated: 2025-04-02. Review status: criteria provided, single submitter. Criteria: Invitae Variant Classification Sherloc (09022015). Collection method: clinical testing. Allele origin: germline.

NM_005529.7(HSPG2):c.10326G>A (p.Pro3442=)

Gene: HSPG2 (heparan sulfate proteoglycan 2; minus strand). Cytogenetic location: 1p36.12.
Variant type: single nucleotide variant.
Coding change: c.10326G>A on transcript NM_005529.7 (MANE Select); coding-DNA position 10326, G replaced by A.
Protein change: p.Pro3442=; no amino-acid change (proline 3442 retained).
Molecular consequence: synonymous variant.
Genome position (GRCh38, 1-based): chr1:21,836,831, C>T on the plus strand (G>A on the coding strand, the complement: HSPG2 is on the minus strand). VCF-style: chr1-21836831-C-T. GRCh37 (hg19) VCF-style: chr1-22163324-C-T.
Other names: c.10329G>A, p.Pro3443= (NM_001291860.2).
Identifiers: ClinVar variation 1921433 (VCV001921433.9), dbSNP rs372885985, ClinGen allele CA670172.